The following is an entry in ClinVar:

ClinVar aggregate classification (germline): Uncertain significance (1 of 4 stars; one submission).

Conditions:
Hereditary cancer-predisposing syndrome. Also called: Neoplastic Syndromes, Hereditary; Tumor predisposition; Hereditary Cancer Syndrome; Hereditary neoplastic syndrome. Identifiers: Orphanet 140162, MedGen C0027672, MeSH D009386, MONDO:0015356.

Submission:

Color Diagnostics, LLC DBA Color Health
Classification: Uncertain significance for Hereditary cancer-predisposing syndrome. Last evaluated: 2025-04-07. Review status: criteria provided, single submitter. Criteria: ACMG Guidelines, 2015. Collection method: clinical testing. Allele origin: germline.
Comment: This missense variant replaces asparagine with tyrosine at codon 134 of the BARD1 protein. Computational prediction suggests that this variant may not impact protein structure and function (internally defined REVEL score threshold <= 0.5, PMID: 27666373). To our knowledge, functional studies have not been reported for this variant. This variant has not been reported in individuals affected with BARD1-related disorders in the literature. This variant has not been identified in the general population by the Genome Aggregation Database (gnomAD). The available evidence is insufficient to determine the role of this variant in disease conclusively. Therefore, this variant is classified as a Variant of Uncertain Significance.

NM_000465.4(BARD1):c.400A>T (p.Asn134Tyr)

Gene: BARD1 (BRCA1 associated RING domain 1; minus strand). Cytogenetic location: 2q35.
Variant type: single nucleotide variant.
Coding change: c.400A>T on transcript NM_000465.4 (MANE Select); coding-DNA position 400, A replaced by T.
Protein change: p.Asn134Tyr; replaces asparagine 134 with tyrosine.
Molecular consequence: missense variant. On other transcripts: non-coding transcript variant (2), intron variant (3).
Genome position (GRCh38, 1-based): chr2:214,781,474, T>A on the plus strand (A>T on the coding strand, the complement: BARD1 is on the minus strand). VCF-style: chr2-214781474-T-A. GRCh37 (hg19) VCF-style: chr2-215646198-T-A.
Other names: c.343A>T, p.Asn115Tyr (NM_001282543.2); c.158+27938A>T (NM_001282548.2); c.215+15587A>T (NM_001282545.2); c.364+10823A>T (NM_001282549.2); short protein forms N115Y, N134Y.
Identifiers: ClinVar variation 3894296 (VCV003894296.1).
Genomic context (GRCh38, chr2:214,781,474, plus strand): 5'-CTTTCTTACTTCGAGGGCTAAACCACATTTTAATTGAATTCTTCTTGTTTCCTGCATCAT[T>A]AAACAAACTTTTCCTAGGTTTATCTTCTTTCAAATCTGACAGAAAAAAAGAAAAAGAAAT-3'
Protein context (NP_000456.2, residues 124-144): KEDKPRKSLF[Asn134Tyr]DAGNKKNSIK